The following is an entry in ClinVar:

NM_000528.4(MAN2B1):c.1404dup (p.Trp469fs)

Genes: MAN2B1 (mannosidase alpha class 2B member 1; minus strand), LOC129391064 (MPRA-validated peak3365 silencer; plus strand). Cytogenetic location: 19p13.13.
Variant type: Duplication.
Coding change: c.1404dup on transcript NM_000528.4 (MANE Select); coding-DNA position 1404, one base duplicated (C; older notation c.1404dupC).
Protein change: p.Trp469fs; shifts the reading frame from tryptophan 469.
Molecular consequence: frameshift variant.
Genome position (GRCh38, 1-based): chr19:12,657,461, G duplicated on the plus strand (C on the coding strand, the reverse complement: MAN2B1 is on the minus strand). VCF-style (leftmost placement, unchanged base first): chr19-12657460-A-AG. GRCh37 (hg19) VCF-style: chr19-12768274-A-AG.
Other names: c.1404dupC (NM_000528.3); c.1401dup, p.Trp468fs (NM_001173498.2); short protein forms W469fs, W468fs.
Identifiers: ClinVar variation 661591 (VCV000661591.12), dbSNP rs1599350640, ClinGen allele CA915952888.

ClinVar aggregate classification (germline): Pathogenic/Likely pathogenic. Review status: criteria provided, multiple submitters, no conflicts (2 of 4 stars). 3 submissions from 3 submitters: Pathogenic (2); Likely pathogenic (1). Last evaluated 2023-03-01.

Conditions:
Deficiency of alpha-mannosidase (MANSA). Also called: Mannosidosis, alpha-, types I and II; LYSOSOMAL ALPHA-D-MANNOSIDASE DEFICIENCY; Alpha-Mannosidosis. Identifiers: Orphanet 61, MedGen C0024748, MONDO:0009561, OMIM 248500.

Allele frequency attached by ClinVar (database versions not stated): gnomAD exomes below 0.00001.

Submissions (3):

Baylor Genetics
Classification: Likely pathogenic for Deficiency of alpha-mannosidase. Last evaluated: 2023-03-01. Review status: criteria provided, single submitter. Criteria: ACMG Guidelines, 2015. Collection method: clinical testing. Allele origin: unknown.

Labcorp Genetics (formerly Invitae), Labcorp
Classification: Pathogenic for Deficiency of alpha-mannosidase. Last evaluated: 2022-05-13. Review status: criteria provided, single submitter. Criteria: Invitae Variant Classification Sherloc (09022015). Collection method: clinical testing. Allele origin: germline.
Comment: This sequence change creates a premature translational stop signal (p.Trp469Leufs*48) in the MAN2B1 gene. It is expected to result in an absent or disrupted protein product. Loss-of-function variants in MAN2B1 are known to be pathogenic (PMID: 9915946, 22161967). This variant is not present in population databases (gnomAD no frequency). This variant has not been reported in the literature in individuals affected with MAN2B1-related conditions. ClinVar contains an entry for this variant (Variation ID: 661591). For these reasons, this variant has been classified as Pathogenic.

Genome-Nilou Lab
Classification: Pathogenic for Deficiency of alpha-mannosidase. Last evaluated: 2021-09-05. Review status: criteria provided, single submitter. Criteria: ACMG Guidelines, 2015. Collection method: clinical testing. Allele origin: germline. Affected: no.

Literature cited by the submitters: PubMed 9915946 (cited by Labcorp Genetics (formerly Invitae), Labcorp); PubMed 22161967 (cited by Labcorp Genetics (formerly Invitae), Labcorp).